The following is an entry in ClinVar:

ClinVar aggregate classification (germline): Likely pathogenic (1 of 4 stars; one submission).

Conditions:
Primary ciliary dyskinesia 3. Identifiers: Orphanet 244, MedGen C1837618, MONDO:0012085, OMIM 608644.

Submission:

Myriad Genetics, Inc.
Classification: Likely pathogenic for Primary ciliary dyskinesia 3. Last evaluated: 2022-01-31. Review status: criteria provided, single submitter. Criteria: Myriad Women's Health Autosomal Recessive and X-Linked Classification Criteria (2021). Collection method: clinical testing. Allele origin: unknown.
Comment: NM_001369.2(DNAH5):c.11380G>T(E3794*) is expected to be pathogenic in the context of DNAH5-related primary ciliary dyskinesia. This variant is predicted to lead to an abnormal or absent protein product due to the creation of a premature termination codon in DNAH5, a gene where loss-of-function variants are known to be pathogenic. Please note: this variant was assessed in the context of healthy population screening.

NM_001369.3(DNAH5):c.11380G>T (p.Glu3794Ter)

Gene: DNAH5 (dynein axonemal heavy chain 5; minus strand). Cytogenetic location: 5p15.2.
Variant type: single nucleotide variant.
Coding change: c.11380G>T on transcript NM_001369.3 (MANE Select); coding-DNA position 11380, G replaced by T.
Protein change: p.Glu3794Ter; replaces glutamic acid 3794 with a stop codon.
Molecular consequence: nonsense.
Genome position (GRCh38, 1-based): chr5:13,737,327, C>A on the plus strand (G>T on the coding strand, the complement: DNAH5 is on the minus strand). VCF-style: chr5-13737327-C-A. GRCh37 (hg19) VCF-style: chr5-13737436-C-A.
Other names: short protein forms E3794*.
Identifiers: ClinVar variation 1724185 (VCV001724185.2), dbSNP rs936673131, ClinGen allele CA359226457.